The following is an entry in ClinVar:

NM_032043.3(BRIP1):c.732C>T (p.Pro244=)

Gene: BRIP1 (BRCA1 interacting DNA helicase 1; minus strand). Cytogenetic location: 17q23.2.
Variant type: single nucleotide variant.
Coding change: c.732C>T on transcript NM_032043.3 (MANE Select); coding-DNA position 732, C replaced by T.
Protein change: p.Pro244=; no amino-acid change (proline 244 retained).
Molecular consequence: synonymous variant.
Genome position (GRCh38, 1-based): chr17:61,808,653, G>A on the plus strand (C>T on the coding strand, the complement: BRIP1 is on the minus strand). VCF-style: chr17-61808653-G-A. GRCh37 (hg19) VCF-style: chr17-59886014-G-A.
Other names: c.732C>T (NM_032043.2).
Identifiers: ClinVar variation 1093421 (VCV001093421.12), dbSNP rs786202300, ClinGen allele CA501335653.

ClinVar aggregate classification (germline): Benign/Likely benign. Review status: criteria provided, multiple submitters, no conflicts (2 of 4 stars). 3 submissions from 3 submitters: Benign (1); Likely benign (2). Last evaluated 2026-04-22.

Conditions:
Hereditary cancer-predisposing syndrome. Also called: Hereditary neoplastic syndrome; Neoplastic Syndromes, Hereditary; Tumor predisposition; Hereditary Cancer Syndrome. Identifiers: Orphanet 140162, MedGen C0027672, MeSH D009386, MONDO:0015356.
Familial cancer of breast. Also called: BREAST CANCER, FAMILIAL; Hereditary breast cancer; hereditary breast carcinoma. Identifiers: Orphanet 227535, MedGen C0346153, MONDO:0016419, OMIM 114480. Disease mechanism: loss of function.
Fanconi anemia complementation group J. Also called: BRIP1-Related Fanconi Anemia. Identifiers: Orphanet 84, MedGen C1836860, MONDO:0012187, OMIM 609054.

gnomAD v4.1: 1 of 1,613,736 alleles (0.000062%); highest among the groups gnomAD compares: East Asian, 0.0022%; no homozygotes.

Submissions (3):

Ambry Genetics
Classification: Likely benign for Hereditary cancer-predisposing syndrome. Last evaluated: 2026-04-22. Review status: criteria provided, single submitter. Criteria: Ambry Variant Classification Scheme 2023. Collection method: clinical testing. Allele origin: germline.

Labcorp Genetics (formerly Invitae), Labcorp
Classification: Likely benign for Familial cancer of breast; Fanconi anemia complementation group J. Last evaluated: 2025-02-26. Review status: criteria provided, single submitter. Criteria: Invitae Variant Classification Sherloc (09022015). Collection method: clinical testing. Allele origin: germline.

Myriad Genetics, Inc.
Classification: Benign for Familial cancer of breast. Last evaluated: 2024-08-22. Review status: criteria provided, single submitter. Criteria: Myriad Autosomal Dominant, Autosomal Recessive and X-Linked Classification Criteria (2023). Collection method: clinical testing. Allele origin: unknown.
Comment: This variant is considered benign. This variant is a silent/synonymous amino acid change and it is not expected to impact splicing.